The following is an entry in ClinVar:

NM_005956.4(MTHFD1):c.2080G>A (p.Val694Met)

Gene: MTHFD1 (methylenetetrahydrofolate dehydrogenase, cyclohydrolase and formyltetrahydrofolate synthetase 1; plus strand). Cytogenetic location: 14q23.3.
Variant type: single nucleotide variant.
Coding change: c.2080G>A on transcript NM_005956.4 (MANE Select); coding-DNA position 2080, G replaced by A.
Protein change: p.Val694Met; replaces valine 694 with methionine.
Molecular consequence: missense variant.
Genome position (GRCh38, 1-based): chr14:64,442,346, G>A. VCF-style: chr14-64442346-G-A. GRCh37 (hg19) VCF-style: chr14-64909064-G-A.
Other names: c.2080G>A, p.Val694Met (NM_001364837.1); short protein forms V694M.
Identifiers: ClinVar variation 2428384 (VCV002428384.3), dbSNP rs753494717, ClinGen allele CA7226482.

ClinVar aggregate classification (germline): Uncertain significance (1 of 4 stars; one submission).

Allele frequency attached by ClinVar (database versions not stated): gnomAD exomes below 0.00001; gnomAD 0.00001; TOPMed 0.00001; ExAC 0.00002.
gnomAD v4.1: 9 of 1,614,070 alleles (0.00056%); highest among the groups gnomAD compares: Middle Eastern, 0.033%; no homozygotes.

Submission:

Labcorp Genetics (formerly Invitae), Labcorp
Classification: Uncertain significance. Last evaluated: 2022-06-27. Review status: criteria provided, single submitter. Criteria: Invitae Variant Classification Sherloc (09022015). Collection method: clinical testing. Allele origin: germline.
Comment: This sequence change replaces valine, which is neutral and non-polar, with methionine, which is neutral and non-polar, at codon 694 of the MTHFD1 protein (p.Val694Met). This variant is present in population databases (rs753494717, gnomAD no frequency). This variant has not been reported in the literature in individuals affected with MTHFD1-related conditions. Algorithms developed to predict the effect of missense changes on protein structure and function are either unavailable or do not agree on the potential impact of this missense change (SIFT: "Deleterious"; PolyPhen-2: "Possibly Damaging"; Align-GVGD: "Class C0"). In summary, the available evidence is currently insufficient to determine the role of this variant in disease. Therefore, it has been classified as a Variant of Uncertain Significance.